The following is an entry in ClinVar:

NM_020366.4(RPGRIP1):c.950C>T (p.Ala317Val)

Gene: RPGRIP1 (RPGR interacting protein 1; plus strand). Cytogenetic location: 14q11.2.
Variant type: single nucleotide variant.
Coding change: c.950C>T on transcript NM_020366.4 (MANE Select); coding-DNA position 950, C replaced by T.
Protein change: p.Ala317Val; replaces alanine 317 with valine.
Molecular consequence: missense variant.
Genome position (GRCh38, 1-based): chr14:21,311,843, C>T. VCF-style: chr14-21311843-C-T. GRCh37 (hg19) VCF-style: chr14-21780002-C-T.
Other names: short protein forms A317V.
Identifiers: ClinVar variation 1399003 (VCV001399003.8), dbSNP rs2139175328, ClinGen allele CA388862164.
Genomic context (GRCh38, chr14:21,311,843, plus strand): 5'-GTGATATGACCATTCCCAGAGGTACTTTCCTTTTGACCCAGAATCAGGGAATCCTGAGTG[C>T]AGCCCATGAGGCCCTCCTCAAGCAAGTGAATGAGCTCAGGGCAGAGCTGAAGGAAGAAAG-3'
Protein context (NP_065099.3, residues 307-327): LLQKNQGILS[Ala317Val]AHEALLKQVN

ClinVar aggregate classification (germline): Uncertain significance (1 of 4 stars; one submission).

Conditions:
Leber congenital amaurosis 6 (LCA6). Identifiers: Orphanet 65, MedGen C1854260, MONDO:0013446, OMIM 613826.
Cone-rod dystrophy 13 (CORD13). Identifiers: Orphanet 1872, MedGen C2750720, MONDO:0011987, OMIM 608194.

Submission:

Labcorp Genetics (formerly Invitae), Labcorp
Classification: Uncertain significance for Leber congenital amaurosis 6; Cone-rod dystrophy 13. Last evaluated: 2021-06-02. Review status: criteria provided, single submitter. Criteria: Invitae Variant Classification Sherloc (09022015). Collection method: clinical testing. Allele origin: germline.
Comment: Algorithms developed to predict the effect of missense changes on protein structure and function output the following: SIFT: "Tolerated"; PolyPhen-2: "Benign"; Align-GVGD: "Class C0". The valine amino acid residue is found in multiple mammalian species, suggesting that this missense change does not adversely affect protein function. These predictions have not been confirmed by published functional studies and their clinical significance is uncertain. In summary, the available evidence is currently insufficient to determine the role of this variant in disease. Therefore, it has been classified as a Variant of Uncertain Significance. This variant has not been reported in the literature in individuals with RPGRIP1-related conditions. This variant is not present in population databases (ExAC no frequency). This sequence change replaces alanine with valine at codon 317 of the RPGRIP1 protein (p.Ala317Val). The alanine residue is moderately conserved and there is a small physicochemical difference between alanine and valine.